The following is an entry in ClinVar:

ClinVar aggregate classification (germline): Likely benign (1 of 4 stars; one submission).

Conditions:
KCNJ11-related disorder. Also called: KCNJ11-related condition; KCNJ11-related disorders.

Submission:

PreventionGenetics, part of Exact Sciences
Classification: Likely benign for KCNJ11-related condition. Last evaluated: 2025-12-19. Review status: criteria provided, single submitter. Criteria: ACMG Guidelines, 2015. Collection method: clinical testing. Allele origin: germline.
Comment: This variant is classified as likely benign based on ACMG/AMP sequence variant interpretation guidelines (Richards et al. 2015 PMID: 25741868, with internal and published modifications).

NM_000525.4(KCNJ11):c.-142T>G

Gene: KCNJ11 (potassium inwardly rectifying channel subfamily J member 11; minus strand). Cytogenetic location: 11p15.1.
Variant type: single nucleotide variant.
Coding change: c.-142T>G on transcript NM_000525.4 (MANE Select); 142 bases upstream of the start codon, T replaced by G.
Molecular consequence: 5 prime UTR variant. On other transcripts: intron variant (3).
Genome position (GRCh38, 1-based): chr11:17,388,233, A>C on the plus strand (T>G on the coding strand, the complement: KCNJ11 is on the minus strand). VCF-style: chr11-17388233-A-C. GRCh37 (hg19) VCF-style: chr11-17409780-A-C.
Other names: c.-16-387T>G (NM_001166290.2, NM_001377297.1); c.-75-157T>G (NM_001377296.1).
Identifiers: ClinVar variation 4977273 (VCV004977273.1).